The following is an entry in ClinVar:

NM_000488.4(SERPINC1):c.1316C>T (p.Pro439Leu)

Gene: SERPINC1 (serpin family C member 1; minus strand). Cytogenetic location: 1q25.1.
Variant type: single nucleotide variant.
Coding change: c.1316C>T on transcript NM_000488.4 (MANE Select); coding-DNA position 1316, C replaced by T.
Protein change: p.Pro439Leu; replaces proline 439 with leucine.
Molecular consequence: missense variant.
Genome position (GRCh38, 1-based): chr1:173,903,968, G>A on the plus strand (C>T on the coding strand, the complement: SERPINC1 is on the minus strand). VCF-style: chr1-173903968-G-A. GRCh37 (hg19) VCF-style: chr1-173873106-G-A.
Other names: P407L; NM_000488.4(SERPINC1):c.1316C>T; c.1172C>T, p.Pro391Leu (NM_001365052.2); c.1439C>T, p.Pro480Leu (NM_001386302.1); c.1397C>T, p.Pro466Leu (NM_001386303.1); c.1295C>T, p.Pro432Leu (NM_001386304.1); c.1259C>T, p.Pro420Leu (NM_001386305.1); c.1100C>T, p.Pro367Leu (NM_001386306.1); short protein forms P439L, P391L, P367L, P420L, P432L, P466L, P480L.
Identifiers: ClinVar variation 18017 (VCV000018017.2), dbSNP rs121909555, ClinGen allele CA210764.

ClinVar aggregate classification (germline): Likely pathogenic. Review status: reviewed by expert panel (3 of 4 stars). 2 submissions from 2 submitters: Likely pathogenic (1). 1 of the submissions does not count toward it. Last evaluated 2024-01-25.

Conditions:
Hereditary antithrombin deficiency (AT3D). Also called: Antithrombin III deficiency; Thrombophilia due to antithrombin III deficiency; Reduced antithrombin III activity; Antithrombin deficiency. Identifiers: Orphanet 82, MedGen C0272375, MONDO:0013144, OMIM 613118, HP:0001976.

Submissions (2):

Clingen Thrombosis Variant Curation Expert Panel, ClinGen
Classification: Likely pathogenic for Hereditary antithrombin deficiency. Last evaluated: 2024-01-25. Review status: reviewed by expert panel. Criteria: ClinGen ACMG Specifications SERPINC1 V1.0.0. Collection method: curation. Allele origin: germline. Inheritance: Autosomal dominant inheritance.
Comment: The c.1316C>T (NM_000488.4) variant in SERPINC1 is a missense variant predicted to cause substitution of proline by leucine at amino acid 439 (p.Pro439Leu). This variant has been reported in one proband meeting the phenotypic criteria of an antithrombin activity level of < 0.8 IU/mL and a positive family history. (PS4_Supporting; PMIDs: 6877092, 3191114). 12 segregations are counted in the Utah family where 13 members are identified as AT-deficient. 11 individuals showed electrophoretically abnormal AT; 2 individuals are obligate carriers. PMID: 3191114 performed sequence analysis on this family. Based on RFLP analysis in this paper, 12 segregations may be counted. However, criteria for PP1_Strong is not met as segregations across >1 family is required (PP1_Moderate; PMID:2983542, 3191114). This variant is absent from gnomAD v2.1.1 and v3.1.1 (PM2_Supporting). The computational predictor REVEL gives a score of 0.952, which is above the threshold of 0.6, evidence that correlates with impact to SERPINC1 function (PP3). Another missense variant c.1315C>A (p.Pro439Thr) (ClinVarID:627228) in the same codon has been classified as pathogenic for autosomal dominant antithrombin III deficiency by the ClinGen Thrombosis VCEP (PM5). In summary, this variant meets the criteria to be classified as likely pathogenic for autosomal dominant antithrombin III deficiency based on the ACMG/AMP criteria applied, as specified by the ClinGen Thrombosis VCEP: PP1, PM5, PP3, PM2, PS4. (ClinGen Thrombosis Expert Panel Specifications to the ACMG/AMP Variant Interpretation Guidelines for SERPINC1 Version 1.0.0; date of approval)

OMIM
Classification: Pathogenic for THROMBOPHILIA DUE TO ANTITHROMBIN III DEFICIENCY. Last evaluated: 1988-08-09. Review status: no assertion criteria provided. Collection method: literature only. Allele origin: germline. Not counted in ClinVar's aggregate classification.

Literature cited by the submitters: PubMed 2983542 (cited by OMIM); PubMed 3191114 (cited by OMIM).